The following is an entry in ClinVar:

NM_004360.5(CDH1):c.1333G>A (p.Glu445Lys)

Gene: CDH1 (cadherin 1; plus strand). Cytogenetic location: 16q22.1.
Variant type: single nucleotide variant.
Coding change: c.1333G>A on transcript NM_004360.5 (MANE Select); coding-DNA position 1333, G replaced by A.
Protein change: p.Glu445Lys; replaces glutamic acid 445 with lysine.
Molecular consequence: missense variant. On other transcripts: 5 prime UTR variant (2).
Genome position (GRCh38, 1-based): chr16:68,815,527, G>A. VCF-style: chr16-68815527-G-A. GRCh37 (hg19) VCF-style: chr16-68849430-G-A.
Other names: c.1150G>A, p.Glu384Lys (NM_001317184.2); c.-216G>A (NM_001317185.2); c.-487G>A (NM_001317186.2); short protein forms E384K, E445K.
Identifiers: ClinVar variation 1770200 (VCV001770200.3), dbSNP rs864622184, ClinGen allele CA396462684.

ClinVar aggregate classification (germline): Uncertain significance (1 of 4 stars; one submission).

Conditions:
Hereditary cancer-predisposing syndrome. Also called: Hereditary Cancer Syndrome; Hereditary neoplastic syndrome; Neoplastic Syndromes, Hereditary; Tumor predisposition. Identifiers: Orphanet 140162, MedGen C0027672, MeSH D009386, MONDO:0015356.

Submission:

Ambry Genetics
Classification: Uncertain significance for Hereditary cancer-predisposing syndrome. Last evaluated: 2026-08-12. Review status: criteria provided, single submitter. Criteria: Ambry Variant Classification Scheme 2023. Collection method: clinical testing. Allele origin: germline.
Comment: The p.E445K variant (also known as c.1333G>A), located in coding exon 10 of the CDH1 gene, results from a G to A substitution at nucleotide position 1333. The glutamic acid at codon 445 is replaced by lysine, an amino acid with similar properties. This amino acid position is highly conserved in available vertebrate species. In addition, this alteration is predicted to be deleterious by in silico analysis. Based on the available evidence, the clinical significance of this variant remains unclear.